The following is an entry in ClinVar:

NM_004336.5(BUB1):c.3203C>T (p.Ala1068Val)

Gene: BUB1 (BUB1 mitotic checkpoint serine/threonine kinase; minus strand). Cytogenetic location: 2q13.
Variant type: single nucleotide variant.
Coding change: c.3203C>T on transcript NM_004336.5 (MANE Select); coding-DNA position 3203, C replaced by T.
Protein change: p.Ala1068Val; replaces alanine 1068 with valine.
Molecular consequence: missense variant.
Genome position (GRCh38, 1-based): chr2:110,638,019, G>A on the plus strand (C>T on the coding strand, the complement: BUB1 is on the minus strand). VCF-style: chr2-110638019-G-A. GRCh37 (hg19) VCF-style: chr2-111395596-G-A.
Other names: c.3143C>T, p.Ala1048Val (NM_001278616.2); c.3032C>T, p.Ala1011Val (NM_001278617.2); short protein forms A1048V, A1068V, A1011V.
Identifiers: ClinVar variation 1728844 (VCV001728844.2), dbSNP rs1452211619, ClinGen allele CA348088311.

ClinVar aggregate classification (germline): Uncertain significance (1 of 4 stars; one submission).

Submission:

Ambry Genetics
Classification: Uncertain significance. Last evaluated: 2022-01-27. Review status: criteria provided, single submitter. Criteria: Ambry Variant Classification Scheme 2023. Collection method: clinical testing. Allele origin: germline.
Comment: The p.A1068V variant (also known as c.3203C>T), located in coding exon 25 of the BUB1 gene, results from a C to T substitution at nucleotide position 3203. The alanine at codon 1068 is replaced by valine, an amino acid with similar properties. This amino acid position is conserved. In addition, this alteration is predicted to be tolerated by in silico analysis. Since supporting evidence is limited at this time, the clinical significance of this alteration remains unclear.